The following is an entry in ClinVar:

NM_001353345.2(SETD1B):c.4612C>T (p.Arg1538Ter)

Gene: SETD1B (SET domain containing 1B, histone lysine methyltransferase; plus strand). Cytogenetic location: 12q24.31.
Variant type: single nucleotide variant.
Coding change: c.4612C>T on transcript NM_001353345.2 (MANE Select); coding-DNA position 4612, C replaced by T.
Protein change: p.Arg1538Ter; replaces arginine 1538 with a stop codon.
Molecular consequence: nonsense.
Genome position (GRCh38, 1-based): chr12:121,823,191, C>T. VCF-style: chr12-121823191-C-T. GRCh37 (hg19) VCF-style: chr12-122261097-C-T.
Other names: short protein forms R1538*.
Identifiers: ClinVar variation 1344988 (VCV001344988.2), dbSNP rs2137579544, ClinGen allele CA386999356.

ClinVar aggregate classification (germline): Pathogenic (1 of 4 stars; one submission).

Submission:

GeneDx
Classification: Pathogenic. Last evaluated: 2022-03-16. Review status: criteria provided, single submitter. Criteria: GeneDx Variant Classification Process June 2021. Collection method: clinical testing. Allele origin: germline. Affected: yes.
Comment: Nonsense variant predicted to result in protein truncation or nonsense mediated decay in a gene for which loss-of-function is a known mechanism of disease; Not observed at significant frequency in large population cohorts (gnomAD); Has not been previously published as pathogenic or benign to our knowledge